The following is an entry in ClinVar:

NM_022835.3(PLEKHG2):c.2123C>G (p.Thr708Ser)

Gene: PLEKHG2 (pleckstrin homology and RhoGEF domain containing G2; plus strand). Cytogenetic location: 19q13.2.
Variant type: single nucleotide variant.
Coding change: c.2123C>G on transcript NM_022835.3 (MANE Select); coding-DNA position 2123, C replaced by G.
Protein change: p.Thr708Ser; replaces threonine 708 with serine.
Molecular consequence: missense variant. On other transcripts: intron variant (1).
Genome position (GRCh38, 1-based): chr19:39,423,177, C>G. VCF-style: chr19-39423177-C-G. GRCh37 (hg19) VCF-style: chr19-39913817-C-G.
Other names: c.1946C>G, p.Thr649Ser (NM_001351693.2); c.1677+889C>G (NM_001351694.2); short protein forms T649S, T708S.
Identifiers: ClinVar variation 1462320 (VCV001462320.8), dbSNP rs2146014450, ClinGen allele CA405797246.
Genomic context (GRCh38, chr19:39,423,177, plus strand): 5'-CCCTCTCCTGTGACTCCTGGCTCCAAGGGCCTCTGCAGGAACCAGCTGAGGCTCCAGCCA[C>G]CAGGAGAGAACTGTTTTCTGGGAGCAATCCTGGGAAACTGGGAGAGCCGCCTTCAGGAGG-3'
Protein context (NP_073746.2, residues 698-718): PLQEPAEAPA[Thr708Ser]RRELFSGSNP

ClinVar aggregate classification (germline): Uncertain significance (1 of 4 stars; one submission).

Allele frequency attached by ClinVar (database versions not stated): gnomAD exomes below 0.00001.
gnomAD v4.1: 1 of 1,612,950 alleles (0.000062%); highest among the groups gnomAD compares: Non-Finnish European, 0.000085%; no homozygotes.

Submission:

Labcorp Genetics (formerly Invitae), Labcorp
Classification: Uncertain significance. Last evaluated: 2021-12-02. Review status: criteria provided, single submitter. Criteria: Invitae Variant Classification Sherloc (09022015). Collection method: clinical testing. Allele origin: germline.
Comment: This variant has not been reported in the literature in individuals affected with PLEKHG2-related conditions. In summary, the available evidence is currently insufficient to determine the role of this variant in disease. Therefore, it has been classified as a Variant of Uncertain Significance. Algorithms developed to predict the effect of missense changes on protein structure and function output the following: SIFT: "Tolerated"; PolyPhen-2: "Benign"; Align-GVGD: "Class C0". The serine amino acid residue is found in multiple mammalian species, which suggests that this missense change does not adversely affect protein function. This variant is not present in population databases (gnomAD no frequency). This sequence change replaces threonine, which is neutral and polar, with serine, which is neutral and polar, at codon 708 of the PLEKHG2 protein (p.Thr708Ser).